The following is an entry in ClinVar:

ClinVar aggregate classification (germline): Uncertain significance (1 of 4 stars; one submission).

Allele frequency attached by ClinVar (database versions not stated): gnomAD exomes below 0.00001; ExAC 0.00001; gnomAD 0.00001; 1000 Genomes Project 30x 0.00016; 1000 Genomes Project 0.00020.
gnomAD v4.1: 7 of 1,613,594 alleles (0.00043%); highest among the groups gnomAD compares: Admixed American, 0.0017%; no homozygotes.

Submission:

Labcorp Genetics (formerly Invitae), Labcorp
Classification: Uncertain significance. Last evaluated: 2021-10-25. Review status: criteria provided, single submitter. Criteria: Invitae Variant Classification Sherloc (09022015). Collection method: clinical testing. Allele origin: germline.
Comment: In summary, the available evidence is currently insufficient to determine the role of this variant in disease. Therefore, it has been classified as a Variant of Uncertain Significance. Algorithms developed to predict the effect of missense changes on protein structure and function are either unavailable or do not agree on the potential impact of this missense change (SIFT: "Deleterious"; PolyPhen-2: "Benign"; Align-GVGD: "Class C0"). This variant has not been reported in the literature in individuals affected with PNPT1-related conditions. This variant is present in population databases (rs566113211, gnomAD 0.003%). This sequence change replaces serine, which is neutral and polar, with isoleucine, which is neutral and non-polar, at codon 768 of the PNPT1 protein (p.Ser768Ile).

NM_033109.5(PNPT1):c.2303G>T (p.Ser768Ile)

Gene: PNPT1 (polyribonucleotide nucleotidyltransferase 1; minus strand). Cytogenetic location: 2p16.1.
Variant type: single nucleotide variant.
Coding change: c.2303G>T on transcript NM_033109.5 (MANE Select); coding-DNA position 2303, G replaced by T.
Protein change: p.Ser768Ile; replaces serine 768 with isoleucine.
Molecular consequence: missense variant.
Genome position (GRCh38, 1-based): chr2:55,636,286, C>A on the plus strand (G>T on the coding strand, the complement: PNPT1 is on the minus strand). VCF-style: chr2-55636286-C-A. GRCh37 (hg19) VCF-style: chr2-55863421-C-A.
Other names: short protein forms S768I.
Identifiers: ClinVar variation 1484453 (VCV001484453.6), dbSNP rs566113211, ClinGen allele CA1667723.
Genomic context (GRCh38, chr2:55,636,286, plus strand): 5'-AAAAAAAAAAATCACTGAGAATTAGATGATGACTGTGAAATAGGTTCTCCCATTACAATA[C>A]TACTTCTGTCATTCAAAGTTCTGACCACGGTTGTAGCTGGCGACTGAAGCACTTTTCGAG-3'
Protein context (NP_149100.2, residues 758-778): TVVRTLNDRS[Ser768Ile]IVMGEPISQS